The following is an entry in ClinVar:

ClinVar aggregate classification (germline): Benign. Review status: criteria provided, multiple submitters, no conflicts (2 of 4 stars). 4 submissions from 4 submitters: Benign (4). Last evaluated 2024-07-15.

Conditions:
Developmental and epileptic encephalopathy, 12 (DEE12). Identifiers: MedGen C3150988, MONDO:0013389, OMIM 613722.

Allele frequency attached by ClinVar (database versions not stated): ESP Exome Variant Server 0.05052; gnomAD 0.07044 and 0.07510; gnomAD exomes 0.07897 and 0.10524; TOPMed 0.08015; ExAC 0.09582; 1000 Genomes Project 30x 0.12133; 1000 Genomes Project 0.12420.
gnomAD v4.1: 126,351 of 1,603,624 alleles (7.9%); highest among the groups gnomAD compares: East Asian, 34%; 7,615 homozygotes.

Submissions (4):

Unidad de Genómica Garrahan, Hospital de Pediatría Garrahan
Classification: Benign. Last evaluated: 2024-07-15. Review status: criteria provided, single submitter. Criteria: ACMG Guidelines, 2015. Collection method: clinical testing. Allele origin: germline. Affected: no. Observed: 32 variant alleles.
Comment: This variant is classified as Benign based on local population frequency. This variant was detected in 34% of patients studied in a panel designed for Epileptic and Developmental Encephalopathy and Progressive Myoclonus Epilepsy. Number of patients: 32. Only high quality variants are reported.

Genome-Nilou Lab
Classification: Benign for Developmental and epileptic encephalopathy, 12. Last evaluated: 2021-09-05. Review status: criteria provided, single submitter. Criteria: ACMG Guidelines, 2015. Collection method: clinical testing. Allele origin: germline. Affected: no.

GeneDx
Classification: Benign. Last evaluated: 2020-12-01. Review status: criteria provided, single submitter. Criteria: GeneDx Variant Classification Process June 2021. Collection method: clinical testing. Allele origin: germline. Affected: yes.

Breakthrough Genomics
Classification: Benign. Review status: criteria provided, single submitter. Criteria: ACMG Guidelines, 2015. Collection method: not provided. Allele origin: germline. Inheritance: Autosomal recessive inheritance. Affected: yes.

NM_015192.4(PLCB1):c.1009+26C>G

Gene: PLCB1 (phospholipase C beta 1; plus strand). Cytogenetic location: 20p12.3.
Variant type: single nucleotide variant.
Coding change: c.1009+26C>G on transcript NM_015192.4 (MANE Select); 26 bases into the intron after coding-DNA position 1009, C replaced by G.
Molecular consequence: intron variant.
Genome position (GRCh38, 1-based): chr20:8,685,104, C>G. VCF-style: chr20-8685104-C-G. GRCh37 (hg19) VCF-style: chr20-8665751-C-G.
Other names: c.1009+26C>G (NM_182734.3).
Identifiers: ClinVar variation 1220952 (VCV001220952.8), dbSNP rs2273189, ClinGen allele CA9759865.